The following is an entry in ClinVar:

NM_004168.4(SDHA):c.1393C>T (p.Arg465Trp)

Gene: SDHA (succinate dehydrogenase complex flavoprotein subunit A; plus strand). Cytogenetic location: 5p15.33.
Variant type: single nucleotide variant.
Coding change: c.1393C>T on transcript NM_004168.4 (MANE Select); coding-DNA position 1393, C replaced by T.
Protein change: p.Arg465Trp; replaces arginine 465 with tryptophan.
Molecular consequence: missense variant.
Genome position (GRCh38, 1-based): chr5:236,560, C>T. VCF-style: chr5-236560-C-T. GRCh37 (hg19) VCF-style: chr5-236675-C-T.
Other names: c.1249C>T, p.Arg417Trp (NM_001294332.2); c.1393C>T, p.Arg465Trp (NM_001330758.2); short protein forms R465W, R417W.
Identifiers: ClinVar variation 239644 (VCV000239644.18), dbSNP rs752461029, ClinGen allele CA3173212.
Genomic context (GRCh38, chr5:236,560, plus strand): 5'-TCGGTACATGGTGCCAACCGCCTCGGGGCAAACTCGCTCTTGGACCTGGTTGTCTTTGGT[C>T]GGGCATGTGCCCTGAGCATCGAAGAGTCATGCAGGCCTGGTAAGTGTTTTCTTCAGGAGC-3'
Protein context (NP_004159.2, residues 455-475): NSLLDLVVFG[Arg465Trp]ACALSIEESC

ClinVar aggregate classification (germline): Uncertain significance. Review status: criteria provided, multiple submitters, no conflicts (2 of 4 stars). 3 submissions from 3 submitters: Uncertain significance (3). Last evaluated 2026-01-15.

Conditions:
Mitochondrial complex II deficiency, nuclear type 1. Also called: SUCCINATE CoQ REDUCTASE DEFICIENCY. Identifiers: Orphanet 3208, MedGen C5700310, MONDO:0100294, OMIM 252011.
Pheochromocytoma/paraganglioma syndrome 5. Also called: Paragangliomas 5; SDHA-Related Hereditary Paraganglioma-Pheochromocytoma Syndrome. Identifiers: Orphanet 29072, MedGen C3279992, MONDO:0013602, OMIM 614165.
Hereditary cancer-predisposing syndrome. Also called: Hereditary Cancer Syndrome; Hereditary neoplastic syndrome; Neoplastic Syndromes, Hereditary; Tumor predisposition. Identifiers: Orphanet 140162, MedGen C0027672, MeSH D009386, MONDO:0015356.
Dilated cardiomyopathy 1GG (CMD1GG). Identifiers: Orphanet 154, MedGen C3150898, MONDO:0013339, OMIM 613642.

Allele frequency attached by ClinVar (database versions not stated): ExAC 0.00001; gnomAD 0.00001; TOPMed 0.00003.
gnomAD v4.1: 12 of 1,613,892 alleles (0.00074%); highest among the groups gnomAD compares: East Asian, 0.0022%; no homozygotes.

Submissions (3):

Labcorp Genetics (formerly Invitae), Labcorp
Classification: Uncertain significance for Pheochromocytoma/paraganglioma syndrome 5; Mitochondrial complex II deficiency, nuclear type 1. Last evaluated: 2026-01-15. Review status: criteria provided, single submitter. Criteria: Invitae Variant Classification Sherloc (09022015). Collection method: clinical testing. Allele origin: germline.
Comment: This sequence change replaces arginine, which is basic and polar, with tryptophan, which is neutral and slightly polar, at codon 465 of the SDHA protein (p.Arg465Trp). This variant is present in population databases (rs752461029, gnomAD 0.006%). This variant has not been reported in the literature in individuals affected with SDHA-related conditions. ClinVar contains an entry for this variant (Variation ID: 239644). Invitae Evidence Modeling of protein sequence and biophysical properties (such as structural, functional, and spatial information, amino acid conservation, physicochemical variation, residue mobility, and thermodynamic stability) has been performed for this missense variant. However, the output from this modeling did not meet the statistical confidence thresholds required to predict the impact of this variant on SDHA protein function. Experimental studies have shown that this missense change affects SDHA function (PMID: 28724664). In summary, the available evidence is currently insufficient to determine the role of this variant in disease. Therefore, it has been classified as a Variant of Uncertain Significance.

Ambry Genetics
Classification: Uncertain significance for Hereditary cancer-predisposing syndrome. Last evaluated: 2024-12-16. Review status: criteria provided, single submitter. Criteria: Ambry Variant Classification Scheme 2023. Collection method: clinical testing. Allele origin: germline.
Comment: The p.R465W variant (also known as c.1393C>T), located in coding exon 10 of the SDHA gene, results from a C to T substitution at nucleotide position 1393. The arginine at codon 465 is replaced by tryptophan, an amino acid with dissimilar properties. Functional studies in yeast demonstrated that this variant impairs SDHA activity (Bannon AE et al. Clin Cancer Res, 2017 Nov;23:6733-6743). This amino acid position is highly conserved in available vertebrate species. In addition, this alteration is predicted to be deleterious by in silico analysis. Based on the available evidence, the clinical significance of this variant remains unclear.

Baylor Genetics
Classification: Uncertain significance for Dilated cardiomyopathy 1GG. Last evaluated: 2024-03-18. Review status: criteria provided, single submitter. Criteria: ACMG Guidelines, 2015. Collection method: clinical testing. Allele origin: unknown.

Literature cited by the submitters: PubMed 28724664 (cited by Labcorp Genetics (formerly Invitae), Labcorp and Ambry Genetics).